The following is an entry in ClinVar:

NM_005045.4(RELN):c.356A>G (p.Gln119Arg)

Gene: RELN (reelin; minus strand). Cytogenetic location: 7q22.1.
Variant type: single nucleotide variant.
Coding change: c.356A>G on transcript NM_005045.4 (MANE Select); coding-DNA position 356, A replaced by G.
Protein change: p.Gln119Arg; replaces glutamine 119 with arginine.
Molecular consequence: missense variant.
Genome position (GRCh38, 1-based): chr7:103,833,654, T>C on the plus strand (A>G on the coding strand, the complement: RELN is on the minus strand). VCF-style: chr7-103833654-T-C. GRCh37 (hg19) VCF-style: chr7-103474101-T-C.
Other names: c.356A>G, p.Gln119Arg (NM_173054.3); short protein forms Q119R.
Identifiers: ClinVar variation 1002722 (VCV001002722.8), dbSNP rs770981899, ClinGen allele CA4422605.

ClinVar aggregate classification (germline): Uncertain significance (1 of 4 stars; one submission).

Conditions:
Norman-Roberts syndrome (LIS2). Also called: Lissencephaly 2 (Norman-Roberts type). Identifiers: Orphanet 89844, MedGen C0796089, MONDO:0009760, OMIM 257320.
Familial temporal lobe epilepsy 7. Identifiers: Orphanet 101046, MedGen C4225327, MONDO:0014639, OMIM 616436.

Allele frequency attached by ClinVar (database versions not stated): ExAC 0.00001; gnomAD exomes 0.00001.
gnomAD v4.1: 7 of 1,613,828 alleles (0.00043%); highest among the groups gnomAD compares: South Asian, 0.0077%; no homozygotes.

Submission:

Labcorp Genetics (formerly Invitae), Labcorp
Classification: Uncertain significance for Familial temporal lobe epilepsy 7; Norman-Roberts syndrome. Last evaluated: 2020-12-27. Review status: criteria provided, single submitter. Criteria: Invitae Variant Classification Sherloc (09022015). Collection method: clinical testing. Allele origin: germline.
Comment: In summary, the available evidence is currently insufficient to determine the role of this variant in disease. Therefore, it has been classified as a Variant of Uncertain Significance. Algorithms developed to predict the effect of missense changes on protein structure and function are either unavailable or do not agree on the potential impact of this missense change (SIFT: "Deleterious"; PolyPhen-2: "Benign"; Align-GVGD: "Class C0"). This variant has not been reported in the literature in individuals with RELN-related conditions. This variant is present in population databases (rs770981899, ExAC 0.006%). This sequence change replaces glutamine with arginine at codon 119 of the RELN protein (p.Gln119Arg). The glutamine residue is moderately conserved and there is a small physicochemical difference between glutamine and arginine.